The following is an entry in ClinVar:

ClinVar aggregate classification (germline): Conflicting classifications of pathogenicity. Review status: criteria provided, conflicting classifications (1 of 4 stars). 3 submissions from 3 submitters: Uncertain significance (2); Likely benign (1). Last evaluated 2026-01-16.

Conditions:
Intellectual disability, autosomal recessive 53 (NEDHSCA). Also called: NEURODEVELOPMENTAL DISORDER WITH OR WITHOUT HYPOTONIA, SEIZURES, AND CEREBELLAR ATROPHY; GLYCOSYLPHOSPHATIDYLINOSITOL BIOSYNTHESIS DEFECT 13; Mental retardation, autosomal recessive 53. Identifiers: Orphanet 488635, MedGen C4310794, MONDO:0014832, OMIM 616917.

Allele frequency attached by ClinVar (database versions not stated): ExAC 0.00007; gnomAD exomes 0.00008; 1000 Genomes Project 30x 0.00016; gnomAD 0.00019; 1000 Genomes Project 0.00020; TOPMed 0.00022; ESP Exome Variant Server 0.00023.
gnomAD v4.1: 50 of 1,613,978 alleles (0.0031%); highest among the groups gnomAD compares: African/African-American, 0.053%; no homozygotes.

Submissions (3):

Labcorp Genetics (formerly Invitae), Labcorp
Classification: Uncertain significance for Intellectual disability, autosomal recessive 53. Last evaluated: 2026-01-16. Review status: criteria provided, single submitter. Criteria: Invitae Variant Classification Sherloc (09022015). Collection method: clinical testing. Allele origin: germline.
Comment: This sequence change falls in intron 8 of the PIGG gene. It does not directly change the encoded amino acid sequence of the PIGG protein. It affects a nucleotide within the consensus splice site. This variant is present in population databases (rs200917876, gnomAD 0.07%). This variant has not been reported in the literature in individuals affected with PIGG-related conditions. ClinVar contains an entry for this variant (Variation ID: 846047). Variants that disrupt the consensus splice site are a relatively common cause of aberrant splicing (PMID: 17576681, 9536098). Algorithms developed to predict the effect of sequence changes on RNA splicing suggest that this variant may disrupt the consensus splice site. In summary, the available evidence is currently insufficient to determine the role of this variant in disease. Therefore, it has been classified as a Variant of Uncertain Significance.

Department of Pathology and Laboratory Medicine, Sinai Health System
Classification: Uncertain significance for Intellectual disability, autosomal recessive 53. Last evaluated: 2022-10-10. Review status: criteria provided, single submitter. Criteria: ACMG Guidelines, 2015. Collection method: research. Allele origin: germline.

GeneDx
Classification: Likely benign. Last evaluated: 2019-07-25. Review status: criteria provided, single submitter. Criteria: GeneDx Variant Classification Process June 2021. Collection method: clinical testing. Allele origin: germline. Affected: yes.

Literature cited by the submitters: PubMed 17576681 (cited by Labcorp Genetics (formerly Invitae), Labcorp); PubMed 9536098 (cited by Labcorp Genetics (formerly Invitae), Labcorp).

NM_001127178.3(PIGG):c.1614+6T>G

Gene: PIGG (phosphatidylinositol glycan anchor biosynthesis class G (EMM blood group); plus strand). Cytogenetic location: 4p16.3.
Variant type: single nucleotide variant.
Coding change: c.1614+6T>G on transcript NM_001127178.3 (MANE Select); 6 bases into the intron after coding-DNA position 1614, T replaced by G.
Molecular consequence: intron variant. On other transcripts: synonymous variant (1), 3 prime UTR variant (2), non-coding transcript variant (1).
Genome position (GRCh38, 1-based): chr4:521,947, T>G. VCF-style: chr4-521947-T-G. GRCh37 (hg19) VCF-style: chr4-515736-T-G.
Other names: c.1353T>G, p.Arg451= (NM_001289053.2); c.*182T>G (NM_001289055.2); c.*235T>G (NM_001289057.2); c.516+6T>G (NM_001345994.2); c.1347+6T>G (NM_001345986.2, NM_001289051.2); c.1323+6T>G (NM_001345987.2); c.81+6T>G (NM_001345991.2, NM_001345990.2); c.585+6T>G (NM_001345988.2); and 3 more.
Identifiers: ClinVar variation 846047 (VCV000846047.10), dbSNP rs200917876, ClinGen allele CA2793366.
Genomic context (GRCh38, chr4:521,947, plus strand): 5'-TGTGATTGTGTCTGTTCTGACCAACGTGCTCGTGGGTGGAAACACCCCAAGGAAGGTACG[T>G]ACGGCTGGTTCCTGGGAGTGTGACGTAGTCCTTCTGCTCAGGTTGTTCTTGTTATTTCAG-3'